The following is an entry in ClinVar:

ClinVar aggregate classification (germline): Uncertain significance (1 of 4 stars; one submission).

Submission:

Ambry Genetics
Classification: Uncertain significance. Last evaluated: 2026-01-16. Review status: criteria provided, single submitter. Criteria: Ambry Variant Classification Scheme 2023. Collection method: clinical testing. Allele origin: germline.
Comment: The p.S603T variant (also known as c.1807T>A), located in coding exon 8 of the RNF43 gene, results from a T to A substitution at nucleotide position 1807. The serine at codon 603 is replaced by threonine, an amino acid with similar properties. This amino acid position is conserved. In addition, this alteration is predicted to be tolerated by in silico analysis. Based on the available evidence, the clinical significance of this variant remains unclear.

NM_017763.6(RNF43):c.1807T>A (p.Ser603Thr)

Gene: RNF43 (ring finger protein 43; minus strand). Cytogenetic location: 17q22.
Variant type: single nucleotide variant.
Coding change: c.1807T>A on transcript NM_017763.6 (MANE Select); coding-DNA position 1807, T replaced by A.
Protein change: p.Ser603Thr; replaces serine 603 with threonine.
Molecular consequence: missense variant.
Genome position (GRCh38, 1-based): chr17:58,357,969, A>T on the plus strand (T>A on the coding strand, the complement: RNF43 is on the minus strand). VCF-style: chr17-58357969-A-T. GRCh37 (hg19) VCF-style: chr17-56435330-A-T.
Other names: c.1807T>A, p.Ser603Thr (NM_001438820.1, NM_001438821.1, NM_001438822.1 and 1 more transcripts); c.1426T>A, p.Ser476Thr (NM_001305545.2, NM_001437987.1); short protein forms S476T, S603T.
Identifiers: ClinVar variation 4844758 (VCV004844758.1).
Genomic context (GRCh38, chr17:58,357,969, plus strand): 5'-CTGGCTCAGGGAGGGCCCTGGGGCACTGTGGGTTAGAGAGCCGCCCCGAAGGGGCTGCTG[A>T]GTTGGATCTGGTGACTTGCTGATCAGGAGAAGGTGGCTCTGGCTGGGGCTGTGTCCGAGG-3'
Protein context (NP_060233.3, residues 593-613): SPDQQVTRSN[Ser603Thr]AAPSGRLSNP